The following is an entry in ClinVar:

ClinVar aggregate classification (germline): Conflicting classifications of pathogenicity. Review status: criteria provided, conflicting classifications (1 of 4 stars). 3 submissions from 3 submitters: Uncertain significance (2); Likely benign (1). Last evaluated 2022-07-19.

Conditions:
Alstrom syndrome (ALMS). Identifiers: Orphanet 64, MedGen C0268425, MONDO:0008763, OMIM 203800.
Cardiovascular phenotype. Identifiers: MedGen CN230736.

Allele frequency attached by ClinVar (database versions not stated): ExAC 0.00001; gnomAD 0.00001 and 0.00003; TOPMed 0.00001; gnomAD exomes 0.00002.
gnomAD v4.1: 41 of 1,614,044 alleles (0.0025%); highest among the groups gnomAD compares: African/African-American, 0.008%; no homozygotes.

Submissions (3):

Labcorp Genetics (formerly Invitae), Labcorp
Classification: Uncertain significance for Alstrom syndrome. Last evaluated: 2022-07-19. Review status: criteria provided, single submitter. Criteria: Invitae Variant Classification Sherloc (09022015). Collection method: clinical testing. Allele origin: germline.
Comment: This sequence change replaces arginine, which is basic and polar, with glutamine, which is neutral and polar, at codon 352 of the ALMS1 protein (p.Arg352Gln). This variant is present in population databases (rs563989825, gnomAD 0.004%). This variant has not been reported in the literature in individuals affected with ALMS1-related conditions. ClinVar contains an entry for this variant (Variation ID: 1385911). Algorithms developed to predict the effect of missense changes on protein structure and function output the following: SIFT: "Not Available"; PolyPhen-2: "Not Available"; Align-GVGD: "Not Available". The glutamine amino acid residue is found in multiple mammalian species, which suggests that this missense change does not adversely affect protein function. In summary, the available evidence is currently insufficient to determine the role of this variant in disease. Therefore, it has been classified as a Variant of Uncertain Significance.

Fulgent Genetics
Classification: Uncertain significance for Alstrom syndrome. Last evaluated: 2021-07-19. Review status: criteria provided, single submitter. Criteria: ACMG Guidelines, 2015. Collection method: clinical testing. Allele origin: unknown.

Ambry Genetics
Classification: Likely benign for Cardiovascular phenotype. Last evaluated: 2019-09-06. Review status: criteria provided, single submitter. Criteria: Ambry Variant Classification Scheme 2023. Collection method: clinical testing. Allele origin: germline.

NM_001378454.1(ALMS1):c.1052G>A (p.Arg351Gln)

Gene: ALMS1 (ALMS1 centrosome and basal body associated protein; plus strand). Cytogenetic location: 2p13.1.
Variant type: single nucleotide variant.
Coding change: c.1052G>A on transcript NM_001378454.1 (MANE Select); coding-DNA position 1052, G replaced by A.
Protein change: p.Arg351Gln; replaces arginine 351 with glutamine.
Molecular consequence: missense variant.
Genome position (GRCh38, 1-based): chr2:73,424,717, G>A. VCF-style: chr2-73424717-G-A. GRCh37 (hg19) VCF-style: chr2-73651845-G-A.
Other names: c.1055G>A, p.Arg352Gln (NM_015120.4); short protein forms R351Q, R352Q.
Identifiers: ClinVar variation 1385911 (VCV001385911.6), dbSNP rs563989825, ClinGen allele CA1713040.